The following is an entry in ClinVar:

NM_004171.4(SLC1A2):c.1052T>G (p.Ile351Ser)

Gene: SLC1A2 (solute carrier family 1 member 2; minus strand). Cytogenetic location: 11p13.
Variant type: single nucleotide variant.
Coding change: c.1052T>G on transcript NM_004171.4 (MANE Select); coding-DNA position 1052, T replaced by G.
Protein change: p.Ile351Ser; replaces isoleucine 351 with serine.
Molecular consequence: missense variant.
Genome position (GRCh38, 1-based): chr11:35,292,326, A>C on the plus strand (T>G on the coding strand, the complement: SLC1A2 is on the minus strand). VCF-style: chr11-35292326-A-C. GRCh37 (hg19) VCF-style: chr11-35313873-A-C.
Other names: c.1025T>G, p.Ile342Ser (NM_001195728.3, NM_001252652.2); short protein forms I351S, I342S.
Identifiers: ClinVar variation 2710628 (VCV002710628.3), dbSNP rs767015413, ClinGen allele CA5947175.

ClinVar aggregate classification (germline): Uncertain significance (1 of 4 stars; one submission).

Allele frequency attached by ClinVar (database versions not stated): gnomAD exomes below 0.00001; ExAC 0.00001.
gnomAD v4.1: 1 of 1,614,004 alleles (0.000062%); highest among the groups gnomAD compares: South Asian, 0.0011%; no homozygotes.

Submission:

Labcorp Genetics (formerly Invitae), Labcorp
Classification: Uncertain significance. Last evaluated: 2024-01-21. Review status: criteria provided, single submitter. Criteria: Invitae Variant Classification Sherloc (09022015). Collection method: clinical testing. Allele origin: germline.
Comment: This sequence change replaces isoleucine, which is neutral and non-polar, with serine, which is neutral and polar, at codon 351 of the SLC1A2 protein (p.Ile351Ser). This variant is present in population databases (rs767015413, gnomAD 0.003%). This variant has not been reported in the literature in individuals affected with SLC1A2-related conditions. Advanced modeling of protein sequence and biophysical properties (such as structural, functional, and spatial information, amino acid conservation, physicochemical variation, residue mobility, and thermodynamic stability) performed at Invitae indicates that this missense variant is not expected to disrupt SLC1A2 protein function with a negative predictive value of 80%. In summary, the available evidence is currently insufficient to determine the role of this variant in disease. Therefore, it has been classified as a Variant of Uncertain Significance.